The following is an entry in ClinVar:

NM_000038.6(APC):c.2898T>G (p.Ser966Arg)

Gene: APC (APC regulator of Wnt signaling pathway; plus strand). Cytogenetic location: 5q22.2.
Variant type: single nucleotide variant.
Coding change: c.2898T>G on transcript NM_000038.6 (MANE Select); coding-DNA position 2898, T replaced by G.
Protein change: p.Ser966Arg; replaces serine 966 with arginine.
Molecular consequence: missense variant. On other transcripts: non-coding transcript variant (2).
Genome position (GRCh38, 1-based): chr5:112,838,492, T>G. VCF-style: chr5-112838492-T-G. GRCh37 (hg19) VCF-style: chr5-112174189-T-G.
Other names: c.2898T>G, p.Ser966Arg (NM_001127510.3, NM_001354895.2, NM_001407450.1); c.2844T>G, p.Ser948Arg (NM_001127511.3); c.2952T>G, p.Ser984Arg (NM_001354896.2, NM_001407449.1, NM_001407447.1 and 1 more transcripts); c.2928T>G, p.Ser976Arg (NM_001354897.2); c.2823T>G, p.Ser941Arg (NM_001354898.2); c.2814T>G, p.Ser938Arg (NM_001354899.2); c.2877T>G, p.Ser959Arg (NM_001407451.1); c.2868T>G, p.Ser956Arg (NM_001407452.1); and 11 more; short protein forms S582R, S683R, S806R, S837R, S840R, S865R, S875R, S883R.
Identifiers: ClinVar variation 4861641 (VCV004861641.1).

ClinVar aggregate classification (germline): Uncertain significance (1 of 4 stars; one submission).

Conditions:
Hereditary cancer-predisposing syndrome. Also called: Neoplastic Syndromes, Hereditary; Tumor predisposition; Hereditary Cancer Syndrome; Hereditary neoplastic syndrome. Identifiers: Orphanet 140162, MedGen C0027672, MeSH D009386, MONDO:0015356.

Submission:

Ambry Genetics
Classification: Uncertain significance for Hereditary cancer-predisposing syndrome. Last evaluated: 2026-05-13. Review status: criteria provided, single submitter. Criteria: Ambry Variant Classification Scheme 2023. Collection method: clinical testing. Allele origin: germline.
Comment: The p.S966R variant (also known as c.2898T>G), located in coding exon 15 of the APC gene, results from a T to G substitution at nucleotide position 2898. The serine at codon 966 is replaced by arginine, an amino acid with dissimilar properties. This amino acid position is highly conserved in available vertebrate species. In addition, in silico predictors for this gene do not accurately predict pathogenicity. Missense variants in APC are not a common cause of disease (Spier I et al. Genet Med. 2024 Feb;26(2):100992). Based on the available evidence, the clinical significance of this variant remains unclear.